The following is an entry in ClinVar:

NM_001126108.2(SLC12A3):c.1999del (p.Arg667fs)

Gene: SLC12A3 (solute carrier family 12 member 3; plus strand). Cytogenetic location: 16q13.
Variant type: Deletion.
Coding change: c.1999del on transcript NM_001126108.2 (MANE Select); coding-DNA position 1999, one base deleted (C; older notation c.1999delC).
Protein change: p.Arg667fs; shifts the reading frame from arginine 667.
Molecular consequence: frameshift variant.
Genome position (GRCh38, 1-based): chr16:56,886,437, C deleted; the last of 3 consecutive C bases (chr16:56,886,435-56,886,437); deleting any one gives the same sequence. VCF-style (leftmost placement, unchanged base first): chr16-56886434-AC-A. GRCh37 (hg19) VCF-style: chr16-56920346-AC-A.
Other names: c.1999del, p.Arg667fs (NM_000339.3); c.1996del, p.Arg666fs (NM_001126107.2); c.1996delC, p.Arg666Glyfs (NM_001410896.1); short protein forms R667fs, R666fs.
Identifiers: ClinVar variation 1995430 (VCV001995430.4), dbSNP rs2543521233, ClinGen allele CA2580091675.

ClinVar aggregate classification (germline): Pathogenic (1 of 4 stars; one submission).

Submission:

Labcorp Genetics (formerly Invitae), Labcorp
Classification: Pathogenic. Last evaluated: 2022-05-17. Review status: criteria provided, single submitter. Criteria: Invitae Variant Classification Sherloc (09022015). Collection method: clinical testing. Allele origin: germline.
Comment: This variant is not present in population databases (gnomAD no frequency). For these reasons, this variant has been classified as Pathogenic. This variant has not been reported in the literature in individuals affected with SLC12A3-related conditions. This sequence change creates a premature translational stop signal (p.Arg667Glyfs*5) in the SLC12A3 gene. It is expected to result in an absent or disrupted protein product. Loss-of-function variants in SLC12A3 are known to be pathogenic (PMID: 20848653, 22009145, 25841442).

Literature cited by the submitters: PubMed 20848653; PubMed 22009145; PubMed 25841442.